The following is an entry in ClinVar:

ClinVar aggregate classification (germline): Uncertain significance (1 of 4 stars; one submission).

gnomAD v4.1: 1 of 1,613,878 alleles (0.000062%); highest among the groups gnomAD compares: Middle Eastern, 0.017%; no homozygotes.

Submission:

Labcorp Genetics (formerly Invitae), Labcorp
Classification: Uncertain significance. Last evaluated: 2025-06-18. Review status: criteria provided, single submitter. Criteria: Invitae Variant Classification Sherloc (09022015). Collection method: clinical testing. Allele origin: germline.
Comment: This sequence change replaces threonine, which is neutral and polar, with proline, which is neutral and non-polar, at codon 559 of the NSD1 protein (p.Thr559Pro). This variant is not present in population databases (gnomAD no frequency). This variant has not been reported in the literature in individuals affected with NSD1-related conditions. Invitae Evidence Modeling of protein sequence and biophysical properties (such as structural, functional, and spatial information, amino acid conservation, physicochemical variation, residue mobility, and thermodynamic stability) indicates that this missense variant is not expected to disrupt NSD1 protein function with a negative predictive value of 95%. In summary, the available evidence is currently insufficient to determine the role of this variant in disease. Therefore, it has been classified as a Variant of Uncertain Significance.

NM_022455.5(NSD1):c.1675A>C (p.Thr559Pro)

Gene: NSD1 (nuclear receptor binding SET domain protein 1; plus strand). Cytogenetic location: 5q35.3.
Variant type: single nucleotide variant.
Coding change: c.1675A>C on transcript NM_022455.5 (MANE Select); coding-DNA position 1675, A replaced by C.
Protein change: p.Thr559Pro; replaces threonine 559 with proline.
Molecular consequence: missense variant.
Genome position (GRCh38, 1-based): chr5:177,210,074, A>C. VCF-style: chr5-177210074-A-C. GRCh37 (hg19) VCF-style: chr5-176637075-A-C.
Other names: c.802A>C, p.Thr268Pro (NM_001365684.2, NM_001409306.1, NM_001409307.1 and 3 more transcripts); c.1675A>C, p.Thr559Pro (NM_001409301.1, NM_001409302.1, NM_001409303.1); c.1255A>C, p.Thr419Pro (NM_001409304.1); c.922A>C, p.Thr308Pro (NM_001409305.1); short protein forms T268P, T308P, T419P, T559P.
Identifiers: ClinVar variation 4801576 (VCV004801576.1).